The following is an entry in ClinVar:

ClinVar aggregate classification (germline): Uncertain significance. Review status: criteria provided, multiple submitters, no conflicts (2 of 4 stars). 2 submissions from 2 submitters: Uncertain significance (2). Last evaluated 2024-05-18.

Conditions:
Rhabdoid tumor predisposition syndrome 2 (RTPS2). Identifiers: Orphanet 231108, Orphanet 69077, MedGen C2750074, MONDO:0013224, OMIM 613325.

Submissions (2):

Labcorp Genetics (formerly Invitae), Labcorp
Classification: Uncertain significance for Rhabdoid tumor predisposition syndrome 2. Last evaluated: 2024-05-18. Review status: criteria provided, single submitter. Criteria: Invitae Variant Classification Sherloc (09022015). Collection method: clinical testing. Allele origin: germline.
Comment: This sequence change replaces isoleucine, which is neutral and non-polar, with methionine, which is neutral and non-polar, at codon 1111 of the SMARCA4 protein (p.Ile1111Met). This variant is not present in population databases (gnomAD no frequency). This variant has not been reported in the literature in individuals affected with SMARCA4-related conditions. Advanced modeling of protein sequence and biophysical properties (such as structural, functional, and spatial information, amino acid conservation, physicochemical variation, residue mobility, and thermodynamic stability) has been performed at Invitae for this missense variant, however the output from this modeling did not meet the statistical confidence thresholds required to predict the impact of this variant on SMARCA4 protein function. In summary, the available evidence is currently insufficient to determine the role of this variant in disease. Therefore, it has been classified as a Variant of Uncertain Significance.

GeneDx
Classification: Uncertain significance. Last evaluated: 2023-06-15. Review status: criteria provided, single submitter. Criteria: GeneDx Variant Classification Process June 2021. Collection method: clinical testing. Allele origin: germline. Affected: yes.
Comment: Not observed at significant frequency in large population cohorts (gnomAD); In silico analysis supports that this missense variant has a deleterious effect on protein structure/function; Has not been previously published as pathogenic or benign to our knowledge; This variant is associated with the following publications: (PMID: 24658002)

NM_003072.5(SMARCA4):c.3333C>G (p.Ile1111Met)

Gene: SMARCA4 (SWI/SNF related BAF chromatin remodeling complex subunit ATPase 4; plus strand). Cytogenetic location: 19p13.2.
Variant type: single nucleotide variant.
Coding change: c.3333C>G on transcript NM_003072.5 (MANE Select); coding-DNA position 3333, C replaced by G.
Protein change: p.Ile1111Met; replaces isoleucine 1111 with methionine.
Molecular consequence: missense variant. On other transcripts: non-coding transcript variant (1).
Genome position (GRCh38, 1-based): chr19:11,027,901, C>G. VCF-style: chr19-11027901-C-G. GRCh37 (hg19) VCF-style: chr19-11138577-C-G.
Other names: c.3333C>G, p.Ile1111Met (NM_001128844.3, NM_001128845.2, NM_001128846.2 and 6 more transcripts); short protein forms I1111M.
Identifiers: ClinVar variation 3360049 (VCV003360049.3).